The following is an entry in ClinVar:

NM_015338.6(ASXL1):c.3562C>A (p.Leu1188Ile)

Gene: ASXL1 (ASXL transcriptional regulator 1; plus strand). Cytogenetic location: 20q11.21.
Variant type: single nucleotide variant.
Coding change: c.3562C>A on transcript NM_015338.6 (MANE Select); coding-DNA position 3562, C replaced by A.
Protein change: p.Leu1188Ile; replaces leucine 1188 with isoleucine.
Molecular consequence: missense variant.
Genome position (GRCh38, 1-based): chr20:32,436,274, C>A. VCF-style: chr20-32436274-C-A. GRCh37 (hg19) VCF-style: chr20-31024077-C-A.
Other names: c.3379C>A, p.Leu1127Ile (NM_001363734.1); short protein forms L1127I, L1188I.
Identifiers: ClinVar variation 2727676 (VCV002727676.5), dbSNP rs774416906, ClinGen allele CA9808853.

ClinVar aggregate classification (germline): Conflicting classifications of pathogenicity. Review status: criteria provided, conflicting classifications (1 of 4 stars). 2 submissions from 2 submitters: Uncertain significance (1); Likely benign (1). Last evaluated 2025-10-29.

Conditions:
Inborn genetic diseases. Identifiers: MedGen C0950123, MeSH D030342.

Allele frequency attached by ClinVar (database versions not stated): ExAC 0.00001; gnomAD 0.00002; TOPMed 0.00003.
gnomAD v4.1: 3 of 1,614,078 alleles (0.00019%); highest among the groups gnomAD compares: African/African-American, 0.004%; no homozygotes.

Submissions (2):

Labcorp Genetics (formerly Invitae), Labcorp
Classification: Uncertain significance. Last evaluated: 2025-10-29. Review status: criteria provided, single submitter. Criteria: Invitae Variant Classification Sherloc (09022015). Collection method: clinical testing. Allele origin: germline.
Comment: This sequence change replaces leucine, which is neutral and non-polar, with isoleucine, which is neutral and non-polar, at codon 1188 of the ASXL1 protein (p.Leu1188Ile). This variant is present in population databases (rs774416906, gnomAD 0.008%). This variant has not been reported in the literature in individuals affected with ASXL1-related conditions. ClinVar contains an entry for this variant (Variation ID: 2727676). An algorithm developed to predict the effect of missense changes on protein structure and function outputs the following: PolyPhen-2: "Benign". The isoleucine amino acid residue is found in multiple mammalian species, which suggests that this missense change does not adversely affect protein function. In summary, the available evidence is currently insufficient to determine the role of this variant in disease. Therefore, it has been classified as a Variant of Uncertain Significance.

Ambry Genetics
Classification: Likely benign for Inborn genetic diseases. Last evaluated: 2025-10-23. Review status: criteria provided, single submitter. Criteria: Ambry Variant Classification Scheme 2023. Collection method: clinical testing. Allele origin: germline.